The following is an entry in ClinVar:

ClinVar aggregate classification (germline): Conflicting classifications of pathogenicity. Review status: criteria provided, conflicting classifications (1 of 4 stars). 2 submissions from 2 submitters: Likely pathogenic (1); Uncertain significance (1). Last evaluated 2026-02-26.

Conditions:
Cardiovascular phenotype. Identifiers: MedGen CN230736.

Submissions (2):

GeneDx
Classification: Likely pathogenic. Last evaluated: 2026-02-26. Review status: criteria provided, single submitter. Criteria: GeneDx Variant Classification Process June 2021. Collection method: clinical testing. Allele origin: germline.
Comment: Nonsense variant predicted to result in protein truncation or nonsense mediated decay in a gene for which loss of function is a known mechanism of disease; Not observed at significant frequency in large population cohorts (gnomAD); Has not been previously published as pathogenic or benign to our knowledge

Ambry Genetics
Classification: Uncertain significance for Cardiovascular phenotype. Last evaluated: 2025-11-17. Review status: criteria provided, single submitter. Criteria: Ambry Variant Classification Scheme 2023. Collection method: clinical testing. Allele origin: germline.
Comment: The c.61C>T (p.Q21*) alteration, located in exon 2 (coding exon 1) of the BGN gene, consists of a C to T substitution at nucleotide position 61. This changes the amino acid from a glutamine (Q) to a stop codon at amino acid position 21. This alteration is expected to result in premature protein truncation or nonsense-mediated mRNA decay. However, loss of function of BGN has not been established as a mechanism of disease. This variant was not reported in population-based cohorts in the Genome Aggregation Database (gnomAD). Based on insufficient or conflicting evidence, the clinical significance of this alteration remains unclear.

NM_001711.6(BGN):c.61C>T (p.Gln21Ter)

Gene: BGN (biglycan; plus strand). Cytogenetic location: Xq28.
Variant type: single nucleotide variant.
Coding change: c.61C>T on transcript NM_001711.6 (MANE Select); coding-DNA position 61, C replaced by T.
Protein change: p.Gln21Ter; replaces glutamine 21 with a stop codon.
Molecular consequence: nonsense.
Genome position (GRCh38, 1-based): chrX:153,504,692, C>T. VCF-style: chrX-153504692-C-T. GRCh37 (hg19) VCF-style: chrX-152770150-C-T.
Other names: c.61C>T (NM_001711.5); short protein forms Q21*.
Identifiers: ClinVar variation 4613751 (VCV004613751.2).